The following is an entry in ClinVar:

ClinVar aggregate classification (germline): Conflicting classifications of pathogenicity. Review status: criteria provided, conflicting classifications (1 of 4 stars). 2 submissions from 2 submitters: Uncertain significance (1); Likely benign (1). Last evaluated 2024-07-15.

gnomAD v4.1: 3 of 398,714 alleles (0.00075%); highest among the groups gnomAD compares: Non-Finnish European, 0.0013%; no homozygotes.

Submissions (2):

GeneDx
Classification: Uncertain significance. Last evaluated: 2024-07-15. Review status: criteria provided, single submitter. Criteria: GeneDx Variant Classification Process June 2021. Collection method: clinical testing. Allele origin: germline. Affected: yes.
Comment: In silico analysis indicates that this variant does not alter splicing; No data available from control populations to assess the frequency of this variant; Has not been previously published as pathogenic or benign to our knowledge

CeGaT Center for Human Genetics Tuebingen
Classification: Likely benign. Last evaluated: 2022-08-01. Review status: criteria provided, single submitter. Criteria: CeGaT Center For Human Genetics Tuebingen Variant Classification Criteria Version 2. Collection method: clinical testing. Allele origin: germline. Affected: yes. Observed: 1 variant allele.
Comment: SPG7: PM2:Supporting, BP4, BP7

NM_003119.4(SPG7):c.2182-881A>G

Gene: SPG7 (SPG7 matrix AAA peptidase subunit, paraplegin; plus strand). Cytogenetic location: 16q24.3.
Variant type: single nucleotide variant.
Coding change: c.2182-881A>G on transcript NM_003119.4 (MANE Select); 881 bases into the intron before coding-DNA position 2182, A replaced by G.
Molecular consequence: intron variant. On other transcripts: synonymous variant (1).
Genome position (GRCh38, 1-based): chr16:89,556,006, A>G. VCF-style: chr16-89556006-A-G. GRCh37 (hg19) VCF-style: chr16-89622414-A-G.
Other names: c.2310A>G, p.Pro770= (NM_001363850.1).
Identifiers: ClinVar variation 2647112 (VCV002647112.25), dbSNP rs903594842, ClinGen allele CA286509287.